The following is an entry in ClinVar:

NM_173494.2(DNAAF6):c.55C>T (p.Gln19Ter)

Gene: DNAAF6 (dynein axonemal assembly factor 6; plus strand). Cytogenetic location: Xq22.3.
Variant type: single nucleotide variant.
Coding change: c.55C>T on transcript NM_173494.2 (MANE Select); coding-DNA position 55, C replaced by T.
Protein change: p.Gln19Ter; replaces glutamine 19 with a stop codon.
Molecular consequence: nonsense.
Genome position (GRCh38, 1-based): chrX:107,212,930, C>T. VCF-style: chrX-107212930-C-T. GRCh37 (hg19) VCF-style: chrX-106456160-C-T.
Other names: c.55C>T, p.Gln19Ter (NM_001169154.2); short protein forms Q19*.
Identifiers: ClinVar variation 2630743 (VCV002630743.1), dbSNP rs2522786393, ClinGen allele CA413887141.

ClinVar aggregate classification (germline): Uncertain significance (1 of 4 stars; one submission).

Conditions:
DNAAF6-related disorder. Also called: DNAAF6-related condition.

Submission:

PreventionGenetics, part of Exact Sciences
Classification: Uncertain significance for DNAAF6-related condition. Last evaluated: 2023-08-25. Review status: criteria provided, single submitter. Criteria: ACMG Guidelines, 2015. Collection method: clinical testing. Allele origin: germline.
Comment: The DNAAF6 c.55C>T variant is predicted to result in premature protein termination (p.Gln19*). To our knowledge, this variant has not been reported in the literature or in a large population database, indicating this variant is rare. Loss of function variants have been documented in DNAAF6, but they have all been found downstream of amino acid 19 (Human Gene Mutation Database). Although we suspect that this variant may be pathogenic, at this time, the clinical significance of this variant is uncertain due to the absence of conclusive functional and genetic evidence.